The following is an entry in ClinVar:

NM_003922.4(HERC1):c.6110C>T (p.Pro2037Leu)

Gene: HERC1 (HECT and RLD domain containing E3 ubiquitin protein ligase family member 1; minus strand). Cytogenetic location: 15q22.31.
Variant type: single nucleotide variant.
Coding change: c.6110C>T on transcript NM_003922.4 (MANE Select); coding-DNA position 6110, C replaced by T.
Protein change: p.Pro2037Leu; replaces proline 2037 with leucine.
Molecular consequence: missense variant.
Genome position (GRCh38, 1-based): chr15:63,686,474, G>A on the plus strand (C>T on the coding strand, the complement: HERC1 is on the minus strand). VCF-style: chr15-63686474-G-A. GRCh37 (hg19) VCF-style: chr15-63978673-G-A.
Other names: c.6110C>T (NM_003922.3); short protein forms P2037L.
Identifiers: ClinVar variation 2193299 (VCV002193299.6), dbSNP rs768307641, ClinGen allele CA7605386.

ClinVar aggregate classification (germline): Uncertain significance. Review status: criteria provided, multiple submitters, no conflicts (2 of 4 stars). 2 submissions from 2 submitters: Uncertain significance (2). Last evaluated 2026-01-03.

Conditions:
Inborn genetic diseases. Identifiers: MedGen C0950123, MeSH D030342.

Allele frequency attached by ClinVar (database versions not stated): gnomAD 0.00007; TOPMed 0.00009.
gnomAD v4.1: 418 of 1,613,630 alleles (0.026%); highest among the groups gnomAD compares: Non-Finnish European, 0.033%; no homozygotes.

Submissions (2):

Labcorp Genetics (formerly Invitae), Labcorp
Classification: Uncertain significance. Last evaluated: 2026-01-03. Review status: criteria provided, single submitter. Criteria: Invitae Variant Classification Sherloc (09022015). Collection method: clinical testing. Allele origin: germline.
Comment: This sequence change replaces proline, which is neutral and non-polar, with leucine, which is neutral and non-polar, at codon 2037 of the HERC1 protein (p.Pro2037Leu). This variant is present in population databases (rs768307641, gnomAD 0.02%). This missense change has been observed in individual(s) with hypodysplasia of the corpus callosum (PMID: 36307859). ClinVar contains an entry for this variant (Variation ID: 2193299). An algorithm developed to predict the effect of missense changes on protein structure and function (PolyPhen-2) suggests that this variant is likely to be disruptive. In summary, the available evidence is currently insufficient to determine the role of this variant in disease. Therefore, it has been classified as a Variant of Uncertain Significance.

Ambry Genetics
Classification: Uncertain significance for Inborn genetic diseases. Last evaluated: 2023-08-03. Review status: criteria provided, single submitter. Criteria: Ambry Variant Classification Scheme 2023. Collection method: clinical testing. Allele origin: germline.

Literature cited by the submitters: PubMed 36307859 (cited by Labcorp Genetics (formerly Invitae), Labcorp); PubMed 24828792 (cited by Ambry Genetics).